The following is an entry in ClinVar:

NM_019109.5(ALG1):c.461T>C (p.Ile154Thr)

Gene: ALG1 (ALG1 chitobiosyldiphosphodolichol beta-mannosyltransferase; plus strand). Cytogenetic location: 16p13.3.
Variant type: single nucleotide variant.
Coding change: c.461T>C on transcript NM_019109.5 (MANE Select); coding-DNA position 461, T replaced by C.
Protein change: p.Ile154Thr; replaces isoleucine 154 with threonine.
Molecular consequence: missense variant.
Genome position (GRCh38, 1-based): chr16:5,075,458, T>C. VCF-style: chr16-5075458-T-C. GRCh37 (hg19) VCF-style: chr16-5125459-T-C.
Other names: c.128T>C, p.Ile43Thr (NM_001330504.2); short protein forms I154T, I43T.
Identifiers: ClinVar variation 2557077 (VCV002557077.4), dbSNP rs1956893235, ClinGen allele CA394680485.

ClinVar aggregate classification (germline): Uncertain significance. Review status: criteria provided, multiple submitters, no conflicts (2 of 4 stars). 2 submissions from 2 submitters: Uncertain significance (2). Last evaluated 2023-06-06.

Conditions:
ALG1-congenital disorder of glycosylation. Also called: CONGENITAL DISORDER OF GLYCOSYLATION, TYPE Ik; CDG Ik; ALG1-CDG. Identifiers: Orphanet 79327, MedGen C2931005, MONDO:0012052, OMIM 608540.
Inborn genetic diseases. Identifiers: MedGen C0950123, MeSH D030342.

Allele frequency attached by ClinVar (database versions not stated): gnomAD exomes below 0.00001; TOPMed 0.00001.

Submissions (2):

Ambry Genetics
Classification: Uncertain significance for Inborn genetic diseases. Last evaluated: 2023-06-06. Review status: criteria provided, single submitter. Criteria: Ambry Variant Classification Scheme 2023. Collection method: clinical testing. Allele origin: germline.

Juno Genomics, Hangzhou Juno Genomics, Inc
Classification: Uncertain significance for ALG1-congenital disorder of glycosylation. Review status: criteria provided, single submitter. Criteria: ACMG Guidelines, 2015. Collection method: clinical testing. Allele origin: germline.
Comment: Absent from controls (or at extremely low frequency if recessive) in Genome Aggregation Database.;Multiple lines of computational evidence support a deleterious effect on the gene or gene product.